The following is an entry in ClinVar:

NM_003640.5(ELP1):c.1955T>A (p.Leu652Ter)

Gene: ELP1 (elongator acetyltransferase complex subunit 1; minus strand). Cytogenetic location: 9q31.3.
Variant type: single nucleotide variant.
Coding change: c.1955T>A on transcript NM_003640.5 (MANE Select); coding-DNA position 1955, T replaced by A.
Protein change: p.Leu652Ter; replaces leucine 652 with a stop codon.
Molecular consequence: nonsense.
Genome position (GRCh38, 1-based): chr9:108,901,484, A>T on the plus strand (T>A on the coding strand, the complement: ELP1 is on the minus strand). VCF-style: chr9-108901484-A-T. GRCh37 (hg19) VCF-style: chr9-111663764-A-T.
Other names: c.1613T>A, p.Leu538Ter (NM_001318360.2); c.908T>A, p.Leu303Ter (NM_001330749.2); short protein forms L303*, L538*, L652*.
Identifiers: ClinVar variation 1726728 (VCV001726728.2), dbSNP rs2537902464, ClinGen allele CA374424296.

ClinVar aggregate classification (germline): Likely pathogenic (1 of 4 stars; one submission).

Conditions:
Familial dysautonomia. Also called: HSAN III; FD. Identifiers: Orphanet 1764, MedGen C0013364, MONDO:0009131, OMIM 223900. Disease mechanism: loss of function.

Submission:

Myriad Genetics, Inc.
Classification: Likely pathogenic for Familial dysautonomia. Last evaluated: 2021-12-31. Review status: criteria provided, single submitter. Criteria: Myriad Women's Health Autosomal Recessive and X-Linked Classification Criteria (2021). Collection method: clinical testing. Allele origin: unknown.
Comment: NM_003640.3(ELP1):c.1955T>A(L652*) is expected to be pathogenic in the context of familial dysautonomia. This variant is predicted to lead to an abnormal or absent protein product due to the creation of a premature termination codon in ELP1, a gene where loss-of-function variants are known to be pathogenic. Please note: this variant was assessed in the context of healthy population screening.